The following is an entry in ClinVar:

NM_001261826.3(AP3D1):c.3400A>G (p.Ile1134Val)

Gene: AP3D1 (adaptor related protein complex 3 subunit delta 1; minus strand). Cytogenetic location: 19p13.3.
Variant type: single nucleotide variant.
Coding change: c.3400A>G on transcript NM_001261826.3 (MANE Select); coding-DNA position 3400, A replaced by G.
Protein change: p.Ile1134Val; replaces isoleucine 1134 with valine.
Molecular consequence: missense variant.
Genome position (GRCh38, 1-based): chr19:2,109,158, T>C on the plus strand (A>G on the coding strand, the complement: AP3D1 is on the minus strand). VCF-style: chr19-2109158-T-C. GRCh37 (hg19) VCF-style: chr19-2109157-T-C.
Other names: p.Ile1134Val; c.3364A>G, p.Ile1122Val (NM_001374799.1); c.3214A>G, p.Ile1072Val (NM_003938.8); short protein forms I1072V, I1122V, I1134V.
Identifiers: ClinVar variation 1166875 (VCV001166875.15), dbSNP rs25673, ClinGen allele CA9058402.

ClinVar aggregate classification (germline): Benign. Review status: criteria provided, multiple submitters, no conflicts (2 of 4 stars). 5 submissions from 5 submitters: Benign (4). 1 of the submissions does not count toward it. Last evaluated 2026-02-04.

Conditions:
AP3D1-related disorder. Also called: AP3D1-related condition.

Allele frequency attached by ClinVar (database versions not stated): 1000 Genomes Project 30x 0.07776; ESP Exome Variant Server 0.13613; 1000 Genomes Project 0.07788; TOPMed 0.11762.
gnomAD v4.1: 242,388 of 1,609,142 alleles (15%); highest among the groups gnomAD compares: Non-Finnish European, 16%; 19,482 homozygotes.

Submissions (5):

Labcorp Genetics (formerly Invitae), Labcorp
Classification: Benign. Last evaluated: 2026-02-04. Review status: criteria provided, single submitter. Criteria: Invitae Variant Classification Sherloc (09022015). Collection method: clinical testing. Allele origin: germline.

Mayo Clinic Laboratories, Mayo Clinic
Classification: Benign. Last evaluated: 2022-09-29. Review status: criteria provided, single submitter. Criteria: ACMG Guidelines, 2015. Collection method: clinical testing. Allele origin: germline. Observed: 463 variant alleles.

GeneDx
Classification: Benign. Last evaluated: 2018-12-24. Review status: criteria provided, single submitter. Criteria: GeneDx Variant Classification Process June 2021. Collection method: clinical testing. Allele origin: germline. Affected: yes.

Breakthrough Genomics
Classification: Benign. Review status: criteria provided, single submitter. Criteria: ACMG Guidelines, 2015. Collection method: not provided. Allele origin: germline. Inheritance: Autosomal recessive inheritance. Affected: yes.

PreventionGenetics, part of Exact Sciences
Classification: Benign for AP3D1-related condition. Last evaluated: 2019-03-14. Review status: no assertion criteria provided. Collection method: clinical testing. Allele origin: germline. Not counted in ClinVar's aggregate classification.
Comment: This variant is classified as benign based on ACMG/AMP sequence variant interpretation guidelines (Richards et al. 2015 PMID: 25741868, with internal and published modifications).